The following is an entry in ClinVar:

NM_000268.4(NF2):c.1015dup (p.Leu339fs)

Gene: NF2 (NF2, moesin-ezrin-radixin like (MERLIN) tumor suppressor; plus strand). Cytogenetic location: 22q12.2.
Variant type: Duplication.
Coding change: c.1015dup on transcript NM_000268.4 (MANE Select); coding-DNA position 1015, one base duplicated (C; older notation c.1015dupC).
Protein change: p.Leu339fs; shifts the reading frame from leucine 339.
Molecular consequence: frameshift variant. On other transcripts: non-coding transcript variant (1), intron variant (1).
Genome position (GRCh38, 1-based): chr22:29,671,841, C duplicated; the last of 2 consecutive C bases (chr22:29,671,840-29,671,841); duplicating either gives the same sequence. VCF-style (leftmost placement, unchanged base first): chr22-29671839-G-GC. GRCh37 (hg19) VCF-style: chr22-30067828-G-GC.
Other names: c.901dup, p.Leu301Profs (NM_001407053.1, NM_001407056.1); c.892dup, p.Leu298Profs (NM_001407054.1, NM_001407058.1); c.889dup, p.Leu297Profs (NM_001407055.1); c.880dup, p.Leu294Profs (NM_001407057.1, NM_001407059.1); c.1015dup, p.Leu339Profs (NM_001407060.1, NM_001407066.1); c.757dup, p.Leu253Profs (NM_001407062.1); c.766dup, p.Leu256Profs (NM_001407063.1, NM_001407064.1); c.481dup, p.Leu161Profs (NM_001407065.1); and 6 more; short protein forms L298fs, L256fs, L297fs, L339fs.
Identifiers: ClinVar variation 2029401 (VCV002029401.4), dbSNP rs2518664935, ClinGen allele CA2580099533.
Genomic context (GRCh38, chr22:29,671,839, plus strand): 5'-GTCTCGAGCCCTGTGATTCAATGACTGTTTTTCTTCACCCCTCGCAGATGGAGCGGCAGC[G>GC]CCTCGCTCGAGAGAAGCAGATGAGGGAGGAGGCTGAACGCACGAGGGATGAGTTGGAGAG-3'

ClinVar aggregate classification (germline): Pathogenic (1 of 4 stars; one submission).

Conditions:
Neurofibromatosis, type 2 (SWNV). Also called: NF2-Related Schwannomatosis; BILATERAL ACOUSTIC NEUROFIBROMATOSIS; SCHWANNOMATOSIS, VESTIBULAR. Identifiers: Orphanet 637, MedGen C0027832, MONDO:0007039, OMIM 101000. Disease mechanism: loss of function.

Submission:

Labcorp Genetics (formerly Invitae), Labcorp
Classification: Pathogenic for Neurofibromatosis, type 2. Last evaluated: 2022-09-07. Review status: criteria provided, single submitter. Criteria: Invitae Variant Classification Sherloc (09022015). Collection method: clinical testing. Allele origin: germline.
Comment: For these reasons, this variant has been classified as Pathogenic. This variant has not been reported in the literature in individuals affected with NF2-related conditions. This variant is not present in population databases (gnomAD no frequency). This sequence change creates a premature translational stop signal (p.Leu339Profs*12) in the NF2 gene. It is expected to result in an absent or disrupted protein product. Loss-of-function variants in NF2 are known to be pathogenic (PMID: 9643284, 16983642).

Literature cited by the submitters: PubMed 9643284; PubMed 16983642.